The following is an entry in ClinVar:

NM_003738.5(PTCH2):c.3553C>T (p.Pro1185Ser)

Gene: PTCH2 (patched 2; minus strand). Cytogenetic location: 1p34.1.
Variant type: single nucleotide variant.
Coding change: c.3553C>T on transcript NM_003738.5 (MANE Select); coding-DNA position 3553, C replaced by T.
Protein change: p.Pro1185Ser; replaces proline 1185 with serine.
Molecular consequence: missense variant. On other transcripts: intron variant (1).
Genome position (GRCh38, 1-based): chr1:44,822,474, G>A on the plus strand (C>T on the coding strand, the complement: PTCH2 is on the minus strand). VCF-style: chr1-44822474-G-A. GRCh37 (hg19) VCF-style: chr1-45288146-G-A.
Other names: c.3425+128C>T (NM_001166292.2); short protein forms P1185S.
Identifiers: ClinVar variation 1006591 (VCV001006591.7), dbSNP rs1162501288, ClinGen allele CA340105380.
Genomic context (GRCh38, chr1:44,822,474, plus strand): 5'-TTCACCCAGTGGCTGGACCTGGTCCCCTGGAACTGAGGTTGCCAGAGCTAGTGGCAGCAG[G>A]GGACCAAGGGGGCTCATCAGGGGCTGGATGGATGTAGGCACCAGGCAGGGGGGGTGGGTG-3'
Protein context (NP_003729.3, residues 1175-1195): HPAPDEPPWS[Pro1185Ser]AATSSGNLSS

ClinVar aggregate classification (germline): Uncertain significance (1 of 4 stars; one submission).

Conditions:
Gorlin syndrome. Also called: Nevoid Basal Cell Carcinoma Syndrome; Basal cell nevus syndrome. Identifiers: Orphanet 377, MedGen C0004779, MONDO:0007187.

Allele frequency attached by ClinVar (database versions not stated): gnomAD exomes below 0.00001; TOPMed 0.00001.
gnomAD v4.1: 2 of 1,613,952 alleles (0.00012%); highest among the groups gnomAD compares: East Asian, 0.0022%; no homozygotes.

Submission:

Labcorp Genetics (formerly Invitae), Labcorp
Classification: Uncertain significance for Gorlin syndrome. Last evaluated: 2021-11-11. Review status: criteria provided, single submitter. Criteria: Invitae Variant Classification Sherloc (09022015). Collection method: clinical testing. Allele origin: germline.
Comment: ClinVar contains an entry for this variant (Variation ID: 1006591). In summary, the available evidence is currently insufficient to determine the role of this variant in disease. Therefore, it has been classified as a Variant of Uncertain Significance. Algorithms developed to predict the effect of missense changes on protein structure and function output the following: SIFT: "Tolerated"; PolyPhen-2: "Benign"; Align-GVGD: "Class C0". The serine amino acid residue is found in multiple mammalian species, which suggests that this missense change does not adversely affect protein function. This variant has not been reported in the literature in individuals affected with PTCH2-related conditions. This variant is present in population databases (no rsID available, gnomAD 0.007%). This sequence change replaces proline, which is neutral and non-polar, with serine, which is neutral and polar, at codon 1185 of the PTCH2 protein (p.Pro1185Ser).